The following is an entry in ClinVar:

ClinVar aggregate classification (germline): Uncertain significance (1 of 4 stars; one submission).

Submission:

Labcorp Genetics (formerly Invitae), Labcorp
Classification: Uncertain significance. Last evaluated: 2022-07-25. Review status: criteria provided, single submitter. Criteria: Invitae Variant Classification Sherloc (09022015). Collection method: clinical testing. Allele origin: germline.
Comment: In summary, the available evidence is currently insufficient to determine the role of this variant in disease. Therefore, it has been classified as a Variant of Uncertain Significance. Advanced modeling of protein sequence and biophysical properties (such as structural, functional, and spatial information, amino acid conservation, physicochemical variation, residue mobility, and thermodynamic stability) performed at Invitae indicates that this missense variant is not expected to disrupt COL9A2 protein function. This variant has not been reported in the literature in individuals affected with COL9A2-related conditions. This variant is not present in population databases (gnomAD no frequency). This sequence change replaces glutamine, which is neutral and polar, with glutamic acid, which is acidic and polar, at codon 24 of the COL9A2 protein (p.Gln24Glu).

NM_001852.4(COL9A2):c.70C>G (p.Gln24Glu)

Gene: COL9A2 (collagen type IX alpha 2 chain; minus strand). Cytogenetic location: 1p34.2.
Variant type: single nucleotide variant.
Coding change: c.70C>G on transcript NM_001852.4 (MANE Select); coding-DNA position 70, C replaced by G.
Protein change: p.Gln24Glu; replaces glutamine 24 with glutamic acid.
Molecular consequence: missense variant.
Genome position (GRCh38, 1-based): chr1:40,317,128, G>C on the plus strand (C>G on the coding strand, the complement: COL9A2 is on the minus strand). VCF-style: chr1-40317128-G-C. GRCh37 (hg19) VCF-style: chr1-40782800-G-C.
Other names: short protein forms Q24E.
Identifiers: ClinVar variation 2107116 (VCV002107116.4), dbSNP rs2522586601, ClinGen allele CA339860722.